The following is an entry in ClinVar:

ClinVar aggregate classification (germline): Pathogenic. Review status: criteria provided, multiple submitters, no conflicts (2 of 4 stars). 2 submissions from 2 submitters: Pathogenic (2). Last evaluated 2022-08-22.

Conditions:
Cone-rod dystrophy 15 (CORD15). Identifiers: MedGen C3150912, MONDO:0013348, OMIM 613660.

Allele frequency attached by ClinVar (database versions not stated): TOPMed 0.00001; gnomAD 0.00003 and 0.00004.

Submissions (2):

Labcorp Genetics (formerly Invitae), Labcorp
Classification: Pathogenic. Last evaluated: 2022-08-22. Review status: criteria provided, single submitter. Criteria: Invitae Variant Classification Sherloc (09022015). Collection method: clinical testing. Allele origin: germline.
Comment: For these reasons, this variant has been classified as Pathogenic. ClinVar contains an entry for this variant (Variation ID: 1213966). This variant has not been reported in the literature in individuals affected with CDHR1-related conditions. This variant is present in population databases (no rsID available, gnomAD 0.004%). This sequence change creates a premature translational stop signal (p.Arg407*) in the CDHR1 gene. It is expected to result in an absent or disrupted protein product. Loss-of-function variants in CDHR1 are known to be pathogenic (PMID: 23044944, 23591405, 26103963, 26261414).

DBGen Ocular Genomics
Classification: Pathogenic for Cone-rod dystrophy 15. Last evaluated: 2021-06-01. Review status: criteria provided, single submitter. Criteria: ACMG Guidelines, 2015. Collection method: clinical testing. Allele origin: germline. Affected: yes. Observed: 1 variant allele.

Literature cited by the submitters: PubMed 23044944 (cited by Labcorp Genetics (formerly Invitae), Labcorp); PubMed 23591405 (cited by Labcorp Genetics (formerly Invitae), Labcorp); PubMed 26103963 (cited by Labcorp Genetics (formerly Invitae), Labcorp); PubMed 26261414 (cited by Labcorp Genetics (formerly Invitae), Labcorp).

NM_033100.4(CDHR1):c.1219C>T (p.Arg407Ter)

Gene: CDHR1 (cadherin related family member 1; plus strand). Cytogenetic location: 10q23.1.
Variant type: single nucleotide variant.
Coding change: c.1219C>T on transcript NM_033100.4 (MANE Select); coding-DNA position 1219, C replaced by T.
Protein change: p.Arg407Ter; replaces arginine 407 with a stop codon.
Molecular consequence: nonsense.
Genome position (GRCh38, 1-based): chr10:84,208,780, C>T. VCF-style: chr10-84208780-C-T. GRCh37 (hg19) VCF-style: chr10-85968536-C-T.
Other names: c.1219C>T, p.Arg407Ter (NM_001171971.3); short protein forms R407*.
Identifiers: ClinVar variation 1213966 (VCV001213966.8), dbSNP rs373978786, ClinGen allele CA210383496.